The following is an entry in ClinVar:

NM_001267550.2(TTN):c.88456del (p.Leu29486fs)

Genes: TTN-AS1 (TTN antisense RNA 1; plus strand), TTN (titin; minus strand). Cytogenetic location: 2q31.2.
Variant type: Deletion.
Coding change: c.88456del on transcript NM_001267550.2 (MANE Select); coding-DNA position 88456, one base deleted (C; older notation c.88456delC).
Protein change: p.Leu29486fs; shifts the reading frame from leucine 29486.
Molecular consequence: frameshift variant.
Genome position (GRCh38, 1-based): chr2:178,555,003, G deleted on the plus strand (C on the coding strand, the reverse complement: TTN is on the minus strand). VCF-style (leftmost placement, unchanged base first): chr2-178555002-AG-A. GRCh37 (hg19) VCF-style: chr2-179419729-AG-A.
Other names: c.83533del, p.Leu27845fs (NM_001256850.1); c.61261del, p.Leu20421fs (NM_003319.4); c.80752del, p.Leu26918fs (NM_133378.4); c.61636del, p.Leu20546fs (NM_133432.3); c.61837del, p.Leu20613fs (NM_133437.4); short protein forms L20421fs, L20546fs, L20613fs, L26918fs, L27845fs, L29486fs.
Identifiers: ClinVar variation 3758848 (VCV003758848.2).

ClinVar aggregate classification (germline): Likely pathogenic (1 of 4 stars; one submission).

Conditions:
Dilated cardiomyopathy 1G (CMD1G). Identifiers: Orphanet 154, MedGen C1858763, MONDO:0011400, OMIM 604145.
Autosomal recessive limb-girdle muscular dystrophy type 2J (LGMDR10). Also called: Limb-girdle muscular dystrophy, type 2J; MUSCULAR DYSTROPHY, LIMB-GIRDLE, AUTOSOMAL RECESSIVE 10. Identifiers: Orphanet 140922, MedGen C1837342, MONDO:0012127, OMIM 608807.

Submission:

Labcorp Genetics (formerly Invitae), Labcorp
Classification: Likely pathogenic for Dilated cardiomyopathy 1G; Autosomal recessive limb-girdle muscular dystrophy type 2J. Last evaluated: 2024-09-16. Review status: criteria provided, single submitter. Criteria: Invitae Variant Classification Sherloc (09022015). Collection method: clinical testing. Allele origin: germline.
Comment: This sequence change creates a premature translational stop signal (p.Leu29486Trpfs*28) in the TTN gene. While this is not anticipated to result in nonsense mediated decay, it is expected to create a truncated TTN protein. This variant is not present in population databases (gnomAD no frequency). This variant has not been reported in the literature in individuals affected with TTN-related conditions. This variant is located in the A band of TTN (PMID: 25589632). Truncating variants in this region are significantly overrepresented in patients affected with dilated cardiomyopathy (PMID: 25589632). Truncating variants in this region have also been reported in individuals affected with autosomal recessive centronuclear myopathy (PMID: 23975875). In summary, the currently available evidence indicates that the variant is pathogenic, but additional data are needed to prove that conclusively. Therefore, this variant has been classified as Likely Pathogenic.

Literature cited by the submitters: PubMed 25589632; PubMed 23975875.